The following is an entry in ClinVar:

NC_000019.9:g.(?_49118629)_(49120101_?)dup

Gene: RPL18 (ribosomal protein L18; minus strand). Cytogenetic location: 19q13.33.
Variant type: Duplication.
Identifiers: ClinVar variation 2423445 (VCV002423445.4).

ClinVar aggregate classification (germline): Uncertain significance (1 of 4 stars; one submission).

Submission:

Labcorp Genetics (formerly Invitae), Labcorp
Classification: Uncertain significance. Last evaluated: 2022-06-22. Review status: criteria provided, single submitter. Criteria: Invitae Variant Classification Sherloc (09022015). Collection method: clinical testing. Allele origin: germline.
Comment: In summary, the available evidence is currently insufficient to determine the role of this variant in disease. Therefore, it has been classified as a Variant of Uncertain Significance. Experimental studies and prediction algorithms are not available or were not evaluated, and the functional significance of this variant is currently unknown. This variant has not been reported in the literature in individuals affected with RPL18-related conditions. This variant results in a copy number gain of the genomic region encompassing exon(s) 4-7 of the RPL18 gene. This region includes the termination codon of the gene. This copy number gain extends beyond the assayed region for this gene and therefore may encompass additional genes. As the precise location of this event is unknown, it may be in tandem or it may be located elsewhere in the genome.